The following is an entry in ClinVar:

ClinVar aggregate classification (germline): Benign/Likely benign. Review status: criteria provided, multiple submitters, no conflicts (2 of 4 stars). 11 submissions from 10 submitters: Benign (4); Likely benign (6). 1 of the submissions does not count toward it. Last evaluated 2026-09-01.

Conditions:
Ehlers-Danlos syndrome, classic type, 1 (EDSCL1). Also called: EDS I; EHLERS-DANLOS SYNDROME, GRAVIS TYPE; EHLERS-DANLOS SYNDROME, SEVERE CLASSIC TYPE; Ehlers-Danlos syndrome, type 1; Ehlers-Danlos Syndrome, Classic Type, COL5A1-Related. Identifiers: MedGen C0268335, MONDO:0019567, OMIM 130000.
Fibromuscular dysplasia, multifocal. Identifiers: MedGen C5543412, MONDO:0859151, OMIM 619329.
COL5A1-related disorder. Also called: COL5A1-related condition.
Connective tissue disorder. Also called: Connective tissue disease. Identifiers: MedGen C0009782, MONDO:0003900.

Allele frequency attached by ClinVar (database versions not stated): ESP Exome Variant Server 0.00234; gnomAD exomes 0.00014 and 0.00034; 1000 Genomes Project 30x 0.00031; 1000 Genomes Project 0.00060; ExAC 0.00074; gnomAD 0.00143 and 0.00159; TOPMed 0.00161.
gnomAD v4.1: 421 of 1,546,270 alleles (0.027%); highest among the groups gnomAD compares: African/African-American, 0.51%; 1 homozygote.

Submissions (11):

CeGaT Center for Human Genetics Tuebingen
Classification: Likely benign. Last evaluated: 2026-09-01. Review status: criteria provided, single submitter. Criteria: CeGaT Center For Human Genetics Tuebingen Variant Classification Criteria Version 2. Collection method: clinical testing. Allele origin: germline. Affected: yes. Observed: 1 variant allele.
Comment: COL5A1: BP4, BS1

Molecular Diagnostic Laboratory for Inherited Cardiovascular Disease, Montreal Heart Institute
Classification: Likely benign. Last evaluated: 2026-03-27. Review status: criteria provided, single submitter. Criteria: ACMG Guidelines, 2015. Collection method: clinical testing. Allele origin: germline. Affected: no.
Comment: BS1

Labcorp Genetics (formerly Invitae), Labcorp
Classification: Benign for Ehlers-Danlos syndrome, classic type, 1. Last evaluated: 2026-01-28. Review status: criteria provided, single submitter. Criteria: Invitae Variant Classification Sherloc (09022015). Collection method: clinical testing. Allele origin: germline.

Mayo Clinic Laboratories, Mayo Clinic
Classification: Likely benign. Last evaluated: 2025-09-27. Review status: criteria provided, single submitter. Criteria: ACMG Guidelines, 2015. Collection method: clinical testing. Allele origin: germline. Observed: 2 variant alleles.
Comment: BS1, BP4, BP7

Blueprint Genetics
Classification: Likely benign. Last evaluated: 2024-11-18. Review status: criteria provided, single submitter. Criteria: ACMG Guidelines, 2015. Collection method: clinical testing. Allele origin: germline.

Women's Health and Genetics/Laboratory Corporation of America, LabCorp
Classification: Benign. Last evaluated: 2024-01-15. Review status: criteria provided, single submitter. Criteria: LabCorp Variant Classification Summary - May 2015. Collection method: clinical testing. Allele origin: germline.

Genome-Nilou Lab
Classification: Benign for Ehlers-Danlos syndrome, classic type, 1. Last evaluated: 2022-03-15. Review status: criteria provided, single submitter. Criteria: ACMG Guidelines, 2015. Collection method: clinical testing. Allele origin: germline. Affected: no.

Genome-Nilou Lab
Classification: Benign for Fibromuscular dysplasia, multifocal. Last evaluated: 2022-03-15. Review status: criteria provided, single submitter. Criteria: ACMG Guidelines, 2015. Collection method: clinical testing. Allele origin: germline. Affected: no.

GeneDx
Classification: Likely benign. Last evaluated: 2020-03-30. Review status: criteria provided, single submitter. Criteria: GeneDx Variant Classification Process June 2021. Collection method: clinical testing. Allele origin: germline. Affected: yes.

Center for Human Genetics, Inc
Classification: Likely benign for Connective tissue disorder. Last evaluated: 2016-11-01. Review status: criteria provided, single submitter. Criteria: ACMG Guidelines, 2015. Collection method: clinical testing. Allele origin: germline. Affected: yes.

PreventionGenetics, part of Exact Sciences
Classification: Benign for COL5A1-related condition. Last evaluated: 2019-03-07. Review status: no assertion criteria provided. Collection method: clinical testing. Allele origin: germline. Not counted in ClinVar's aggregate classification.
Comment: This variant is classified as benign based on ACMG/AMP sequence variant interpretation guidelines (Richards et al. 2015 PMID: 25741868, with internal and published modifications).

NM_000093.5(COL5A1):c.3259-8C>T

Gene: COL5A1 (collagen type V alpha 1 chain; plus strand). Cytogenetic location: 9q34.3.
Variant type: single nucleotide variant.
Coding change: c.3259-8C>T on transcript NM_000093.5 (MANE Select); 8 bases into the intron before coding-DNA position 3259, C replaced by T.
Molecular consequence: intron variant.
Genome position (GRCh38, 1-based): chr9:134,806,181, C>T. VCF-style: chr9-134806181-C-T. GRCh37 (hg19) VCF-style: chr9-137698027-C-T.
Other names: p.?; c.3259-8C>T (NM_001278074.1).
Identifiers: ClinVar variation 237000 (VCV000237000.23), dbSNP rs146461106, ClinGen allele CA5319826.
Genomic context (GRCh38, chr9:134,806,181, plus strand): 5'-GCTTTACAAAGTCACGACCACGCAGTCTGAGAGCCTTTGAAGCAGACTGTTTTCTTGCTC[C>T]ACCTCAGGGATCTCCAGGGGAGAGAGGTCCAGCTGGAGCCGCTGGGCCCATCGGAATTCC-3'